The following is an entry in ClinVar:

NM_139076.3(ABRAXAS1):c.698T>C (p.Val233Ala)

Gene: ABRAXAS1 (abraxas 1, BRCA1 A complex subunit; minus strand). Cytogenetic location: 4q21.23.
Variant type: single nucleotide variant.
Coding change: c.698T>C on transcript NM_139076.3 (MANE Select); coding-DNA position 698, T replaced by C.
Protein change: p.Val233Ala; replaces valine 233 with alanine.
Molecular consequence: missense variant.
Genome position (GRCh38, 1-based): chr4:83,463,592, A>G on the plus strand (T>C on the coding strand, the complement: ABRAXAS1 is on the minus strand). VCF-style: chr4-83463592-A-G. GRCh37 (hg19) VCF-style: chr4-84384745-A-G.
Other names: c.371T>C, p.Val124Ala (NM_001345962.2); short protein forms V233A, V124A.
Identifiers: ClinVar variation 1419497 (VCV001419497.12), dbSNP rs2110034075, ClinGen allele CA357257035.

ClinVar aggregate classification (germline): Uncertain significance. Review status: criteria provided, multiple submitters, no conflicts (2 of 4 stars). 2 submissions from 2 submitters: Uncertain significance (2). Last evaluated 2025-12-21.

Submissions (2):

Ambry Genetics
Classification: Uncertain significance. Last evaluated: 2025-12-21. Review status: criteria provided, single submitter. Criteria: Ambry Variant Classification Scheme 2023. Collection method: clinical testing. Allele origin: germline.
Comment: The p.V233A variant (also known as c.698T>C), located in coding exon 8 of the FAM175A gene, results from a T to C substitution at nucleotide position 698. The valine at codon 233 is replaced by alanine, an amino acid with similar properties. This amino acid position is conserved. In addition, the in silico prediction for this alteration is inconclusive. Since supporting evidence is limited at this time, the clinical significance of this alteration remains unclear.

Labcorp Genetics (formerly Invitae), Labcorp
Classification: Uncertain significance. Last evaluated: 2024-04-08. Review status: criteria provided, single submitter. Criteria: Invitae Variant Classification Sherloc (09022015). Collection method: clinical testing. Allele origin: germline.
Comment: This sequence change replaces valine, which is neutral and non-polar, with alanine, which is neutral and non-polar, at codon 233 of the ABRAXAS1 protein (p.Val233Ala). This variant is not present in population databases (gnomAD no frequency). This variant has not been reported in the literature in individuals affected with ABRAXAS1-related conditions. ClinVar contains an entry for this variant (Variation ID: 1419497). Advanced modeling of protein sequence and biophysical properties (such as structural, functional, and spatial information, amino acid conservation, physicochemical variation, residue mobility, and thermodynamic stability) performed at Invitae indicates that this missense variant is expected to disrupt ABRAXAS1 protein function with a positive predictive value of 80%. In summary, the available evidence is currently insufficient to determine the role of this variant in disease. Therefore, it has been classified as a Variant of Uncertain Significance.